The following is an entry in ClinVar:

NM_152703.5(SAMD9L):c.1425C>G (p.Asp475Glu)

Gene: SAMD9L (sterile alpha motif domain containing 9 like; minus strand). Cytogenetic location: 7q21.2.
Variant type: single nucleotide variant.
Coding change: c.1425C>G on transcript NM_152703.5 (MANE Select); coding-DNA position 1425, C replaced by G.
Protein change: p.Asp475Glu; replaces aspartic acid 475 with glutamic acid.
Molecular consequence: missense variant.
Genome position (GRCh38, 1-based): chr7:93,134,547, G>C on the plus strand (C>G on the coding strand, the complement: SAMD9L is on the minus strand). VCF-style: chr7-93134547-G-C. GRCh37 (hg19) VCF-style: chr7-92763860-G-C.
Other names: c.1425C>G (NM_152703.2); c.1425C>G, p.Asp475Glu (NM_001303496.3, NM_001303497.3, NM_001303498.3 and 5 more transcripts); short protein forms D475E.
Identifiers: ClinVar variation 1473884 (VCV001473884.9), dbSNP rs764239040, ClinGen allele CA4343730.

ClinVar aggregate classification (germline): Conflicting classifications of pathogenicity. Review status: criteria provided, conflicting classifications (1 of 4 stars). 2 submissions from 2 submitters: Uncertain significance (1); Likely benign (1). Last evaluated 2025-09-26.

Conditions:
Inborn genetic diseases. Identifiers: MedGen C0950123, MeSH D030342.

Allele frequency attached by ClinVar (database versions not stated): gnomAD exomes below 0.00001 and 0.00001; ExAC 0.00001.
gnomAD v4.1: 7 of 1,613,888 alleles (0.00043%); highest among the groups gnomAD compares: South Asian, 0.0022%; no homozygotes.

Submissions (2):

Ambry Genetics
Classification: Likely benign for Inborn genetic diseases. Last evaluated: 2025-09-26. Review status: criteria provided, single submitter. Criteria: Ambry Variant Classification Scheme 2023. Collection method: clinical testing. Allele origin: germline.

Labcorp Genetics (formerly Invitae), Labcorp
Classification: Uncertain significance. Last evaluated: 2024-02-17. Review status: criteria provided, single submitter. Criteria: Invitae Variant Classification Sherloc (09022015). Collection method: clinical testing. Allele origin: germline.
Comment: This sequence change replaces aspartic acid, which is acidic and polar, with glutamic acid, which is acidic and polar, at codon 475 of the SAMD9L protein (p.Asp475Glu). This variant is present in population databases (rs764239040, gnomAD 0.0009%). This variant has not been reported in the literature in individuals affected with SAMD9L-related conditions. ClinVar contains an entry for this variant (Variation ID: 1473884). Advanced modeling of protein sequence and biophysical properties (such as structural, functional, and spatial information, amino acid conservation, physicochemical variation, residue mobility, and thermodynamic stability) performed at Invitae indicates that this missense variant is not expected to disrupt SAMD9L protein function with a negative predictive value of 80%. In summary, the available evidence is currently insufficient to determine the role of this variant in disease. Therefore, it has been classified as a Variant of Uncertain Significance.